The following is an entry in ClinVar:

ClinVar aggregate classification (germline): Conflicting classifications of pathogenicity. Review status: criteria provided, conflicting classifications (1 of 4 stars). 4 submissions from 4 submitters: Uncertain significance (1); Likely benign (3). Last evaluated 2026-02-01.

Conditions:
Inborn genetic diseases. Identifiers: MedGen C0950123, MeSH D030342.
Feingold syndrome type 1 (FGLDS1). Also called: MICROCEPHALY, MENTAL RETARDATION, AND TRACHEOESOPHAGEAL FISTULA SYNDROME; MICROCEPHALY-OCULO-DIGITO-ESOPHAGEAL-DUODENAL SYNDROME; OCULODIGITOESOPHAGODUODENAL SYNDROME; ODED SYNDROME; MICROCEPHALY AND DIGITAL ABNORMALITIES WITH NORMAL INTELLIGENCE. Identifiers: Orphanet 1305, Orphanet 391641, MedGen C4551774, MONDO:0008115, OMIM 164280.
Megalencephaly-polydactyly syndrome (MPAPA). Identifiers: MedGen C5935591, MONDO:0958279, OMIM 620748.

Allele frequency attached by ClinVar (database versions not stated): ExAC 0.00008; ESP Exome Variant Server 0.00008; gnomAD 0.00008; TOPMed 0.00009.
gnomAD v4.1: 94 of 1,613,682 alleles (0.0058%); highest among the groups gnomAD compares: African/African-American, 0.008%; no homozygotes.

Submissions (4):

CeGaT Center for Human Genetics Tuebingen
Classification: Likely benign. Last evaluated: 2026-02-01. Review status: criteria provided, single submitter. Criteria: CeGaT Center For Human Genetics Tuebingen Variant Classification Criteria Version 2. Collection method: clinical testing. Allele origin: germline. Affected: yes. Observed: 2 variant alleles.
Comment: MYCN: BS1

Blueprint Genetics
Classification: Likely benign. Last evaluated: 2024-10-03. Review status: criteria provided, single submitter. Criteria: ACMG Guidelines, 2015. Collection method: clinical testing. Allele origin: germline.

Fulgent Genetics
Classification: Likely benign for Feingold syndrome type 1; Megalencephaly-polydactyly syndrome. Last evaluated: 2024-06-20. Review status: criteria provided, single submitter. Criteria: ACMG Guidelines, 2015. Collection method: clinical testing. Allele origin: germline.

Ambry Genetics
Classification: Uncertain significance for Inborn genetic diseases. Last evaluated: 2021-06-18. Review status: criteria provided, single submitter. Criteria: Ambry Variant Classification Scheme 2023. Collection method: clinical testing. Allele origin: germline.

NM_005378.6(MYCN):c.111C>A (p.Phe37Leu)

Genes: MYCN (MYCN proto-oncogene, bHLH transcription factor; plus strand), MYCNOS (MYCN opposite strand; minus strand). Cytogenetic location: 2p24.3.
Variant type: single nucleotide variant.
Coding change: c.111C>A on transcript NM_005378.6 (MANE Select); coding-DNA position 111, C replaced by A.
Protein change: p.Phe37Leu; replaces phenylalanine 37 with leucine.
Molecular consequence: missense variant. On other transcripts: non-coding transcript variant (1), 3 prime UTR variant (1), intron variant (1).
Genome position (GRCh38, 1-based): chr2:15,942,175, C>A. VCF-style: chr2-15942175-C-A. GRCh37 (hg19) VCF-style: chr2-16082297-C-A.
Other names: c.111C>A, p.Phe37Leu (NM_001293228.2); c.*46C>A (NM_001293233.2); c.157+1432C>A (NM_001293231.2); short protein forms F37L.
Identifiers: ClinVar variation 2650694 (VCV002650694.27), dbSNP rs374745691, ClinGen allele CA1538120.